The following is an entry in ClinVar:

ClinVar aggregate classification (germline): Uncertain significance (1 of 4 stars; one submission).

Submission:

Labcorp Genetics (formerly Invitae), Labcorp
Classification: Uncertain significance. Last evaluated: 2020-03-28. Review status: criteria provided, single submitter. Criteria: Invitae Variant Classification Sherloc (09022015). Collection method: clinical testing. Allele origin: germline.
Comment: This sequence change replaces valine with isoleucine at codon 101 of the MSH3 protein (p.Val101Ile). The valine residue is weakly conserved and there is a small physicochemical difference between valine and isoleucine. This variant is not present in population databases (ExAC no frequency). This variant has not been reported in the literature in individuals with MSH3-related conditions. Algorithms developed to predict the effect of missense changes on protein structure and function (SIFT, PolyPhen-2, Align-GVGD) all suggest that this variant is likely to be tolerated, but these predictions have not been confirmed by published functional studies and their clinical significance is uncertain. In summary, the available evidence is currently insufficient to determine the role of this variant in disease. Therefore, it has been classified as a Variant of Uncertain Significance.

NM_002439.5(MSH3):c.301G>A (p.Val101Ile)

Gene: MSH3 (mutS homolog 3; plus strand). Cytogenetic location: 5q14.1.
Variant type: single nucleotide variant.
Coding change: c.301G>A on transcript NM_002439.5 (MANE Select); coding-DNA position 301, G replaced by A.
Protein change: p.Val101Ile; replaces valine 101 with isoleucine.
Molecular consequence: missense variant.
Genome position (GRCh38, 1-based): chr5:80,656,474, G>A. VCF-style: chr5-80656474-G-A. GRCh37 (hg19) VCF-style: chr5-79952293-G-A.
Other names: short protein forms V101I.
Identifiers: ClinVar variation 844120 (VCV000844120.9), dbSNP rs1749288737, ClinGen allele CA360266322.